The following is an entry in ClinVar:

NC_000011.9:g.(?_68579885)_(68582942_?)del

Gene: CPT1A (carnitine palmitoyltransferase 1A; minus strand). Cytogenetic location: 11q13.3.
Variant type: Deletion.
Identifiers: ClinVar variation 3244611 (VCV003244611.1).

ClinVar aggregate classification (germline): Pathogenic (1 of 4 stars; one submission).

Conditions:
Carnitine palmitoyl transferase 1A deficiency. Also called: Carnitine palmitoyltransferase 1A deficiency; Carnitine palmitoyltransferase type I deficiency; CPT deficiency, hepatic, type IA; CPT I DEFICIENCY; CPT DEFICIENCY, HEPATIC, TYPE I. Identifiers: Orphanet 156, MedGen C1829703, MONDO:0009705, OMIM 255120.

Submission:

Labcorp Genetics (formerly Invitae), Labcorp
Classification: Pathogenic for Carnitine palmitoyl transferase 1A deficiency. Last evaluated: 2023-04-26. Review status: criteria provided, single submitter. Criteria: Invitae Variant Classification Sherloc (09022015). Collection method: clinical testing. Allele origin: unknown.
Comment: This variant is a gross deletion of the genomic region encompassing exon(s) 2-3 of the CPT1A gene, which includes the initiator codon. This deletion extends beyond the assayed region for this gene and therefore may encompass additional genes. It is expected to result in an absent or disrupted protein product. Loss-of-function variants in CPT1A are known to be pathogenic (PMID: 16169268). For these reasons, this variant has been classified as Pathogenic. This variant has not been reported in the literature in individuals affected with CPT1A-related conditions.

Literature cited by the submitters: PubMed 16169268.